The following is an entry in ClinVar:

NM_002474.3(MYH11):c.5787-4629_5787-4625del

Genes: MYH11 (myosin heavy chain 11; minus strand), NDE1 (nudE neurodevelopment protein 1; plus strand). Cytogenetic location: 16p13.11.
Variant type: Microsatellite.
Coding change: c.5787-4629_5787-4625del on transcript NM_002474.3 (MANE Select); 4629 bases into the intron before coding-DNA position 5787 through 4625 bases into the intron before coding-DNA position 5787, 5 bases deleted (TTTCT; older notation c.5787-4629_5787-4625delTTTCT).
Molecular consequence: intron variant.
Genome position (GRCh38, 1-based): chr16:15,708,748-15,708,752, AGAAA deleted on the plus strand (TTTCT on the coding strand, the reverse complement: MYH11 is on the minus strand); deleting any 5 consecutive bases within chr16:15,708,748-15,708,757 gives the same sequence; the c. name uses the placement nearest the transcript's 3' end. VCF-style (leftmost placement, unchanged base first): chr16-15708747-CAGAAA-C. GRCh37 (hg19) VCF-style: chr16-15802604-CAGAAA-C.
Other names: c.947+11893_947+11897del (NM_001143979.2, NM_017668.3); c.*8+51_*8+55del (NM_022844.3, NM_001040113.2); c.5808-4629_5808-4625del (NM_001040114.2).
Identifiers: ClinVar variation 674417 (VCV000674417.1), dbSNP rs144505034, ClinGen allele CA278585470.

ClinVar aggregate classification (germline): Benign (1 of 4 stars; one submission).

Submission:

GeneDx
Classification: Benign. Last evaluated: 2018-06-14. Review status: criteria provided, single submitter. Criteria: GeneDx Variant Classification (06012015). Collection method: clinical testing. Allele origin: germline. Affected: yes.
Comment: This variant is considered likely benign or benign based on one or more of the following criteria: it is a conservative change, it occurs at a poorly conserved position in the protein, it is predicted to be benign by multiple in silico algorithms, and/or has population frequency not consistent with disease.